The following is an entry in ClinVar:

NM_001164508.2(NEB):c.4118A>G (p.Asn1373Ser)

Gene: NEB (nebulin; minus strand). Cytogenetic location: 2q23.3.
Variant type: single nucleotide variant.
Coding change: c.4118A>G on transcript NM_001164508.2 (MANE Select); coding-DNA position 4118, A replaced by G.
Protein change: p.Asn1373Ser; replaces asparagine 1373 with serine.
Molecular consequence: missense variant.
Genome position (GRCh38, 1-based): chr2:151,672,550, T>C on the plus strand (A>G on the coding strand, the complement: NEB is on the minus strand). VCF-style: chr2-151672550-T-C. GRCh37 (hg19) VCF-style: chr2-152529064-T-C.
Other names: c.4118A>G, p.Asn1373Ser (NM_001164507.2, NM_001271208.2, NM_004543.5); short protein forms N1373S.
Identifiers: ClinVar variation 3234726 (VCV003234726.20), dbSNP rs1311468353, ClinGen allele CA348816758.

ClinVar aggregate classification (germline): Uncertain significance (1 of 4 stars; one submission).

Allele frequency attached by ClinVar (database versions not stated): gnomAD exomes below 0.00001; gnomAD 0.00001; TOPMed 0.00001.
gnomAD v4.1: 4 of 1,613,854 alleles (0.00025%); highest among the groups gnomAD compares: Non-Finnish European, 0.00034%; no homozygotes.

Submission:

CeGaT Center for Human Genetics Tuebingen
Classification: Uncertain significance. Last evaluated: 2024-04-01. Review status: criteria provided, single submitter. Criteria: CeGaT Center For Human Genetics Tuebingen Variant Classification Criteria Version 2. Collection method: clinical testing. Allele origin: germline. Affected: yes. Observed: 1 variant allele.
Comment: NEB: PM2